The following is an entry in ClinVar:

NM_175737.4(KLB):c.938C>T (p.Thr313Met)

Gene: KLB (klotho beta; plus strand). Cytogenetic location: 4p14.
Variant type: single nucleotide variant.
Coding change: c.938C>T on transcript NM_175737.4 (MANE Select); coding-DNA position 938, C replaced by T.
Protein change: p.Thr313Met; replaces threonine 313 with methionine.
Molecular consequence: missense variant.
Genome position (GRCh38, 1-based): chr4:39,434,322, C>T. VCF-style: chr4-39434322-C-T. GRCh37 (hg19) VCF-style: chr4-39435942-C-T.
Other names: short protein forms T313M.
Identifiers: ClinVar variation 4712695 (VCV004712695.1).
Genomic context (GRCh38, chr4:39,434,322, plus strand): 5'-AGGGTTGGTTATCGATCACGTTGGGATCTCATTGGATCGAGCCAAACCGGTCGGAAAACA[C>T]GATGGATATATTCAAATGTCAACAATCCATGGTTTCTGTGCTTGGATGGTTTGCCAACCC-3'
Protein context (NP_783864.1, residues 303-323): HWIEPNRSEN[Thr313Met]MDIFKCQQSM

ClinVar aggregate classification (germline): Uncertain significance (1 of 4 stars; one submission).

gnomAD v4.1: 133 of 1,614,150 alleles (0.0082%); highest among the groups gnomAD compares: East Asian, 0.19%; 1 homozygote.

Submission:

Labcorp Genetics (formerly Invitae), Labcorp
Classification: Uncertain significance. Last evaluated: 2025-10-29. Review status: criteria provided, single submitter. Criteria: Invitae Variant Classification Sherloc (09022015). Collection method: clinical testing. Allele origin: germline.
Comment: This sequence change replaces threonine, which is neutral and polar, with methionine, which is neutral and non-polar, at codon 313 of the KLB protein (p.Thr313Met). This variant is present in population databases (rs182015595, gnomAD 0.1%), and has an allele count higher than expected for a pathogenic variant. This variant has not been reported in the literature in individuals affected with KLB-related conditions. Invitae Evidence Modeling of protein sequence and biophysical properties (such as structural, functional, and spatial information, amino acid conservation, physicochemical variation, residue mobility, and thermodynamic stability) indicates that this missense variant is not expected to disrupt KLB protein function with a negative predictive value of 80%. In summary, the available evidence is currently insufficient to determine the role of this variant in disease. Therefore, it has been classified as a Variant of Uncertain Significance.